The following is an entry in ClinVar:

NM_018344.6(SLC29A3):c.639C>T (p.Ala213=)

Gene: SLC29A3 (solute carrier family 29 member 3; plus strand). Cytogenetic location: 10q22.1.
Variant type: single nucleotide variant.
Coding change: c.639C>T on transcript NM_018344.6 (MANE Select); coding-DNA position 639, C replaced by T.
Protein change: p.Ala213=; no amino-acid change (alanine 213 retained).
Molecular consequence: synonymous variant. On other transcripts: non-coding transcript variant (2).
Genome position (GRCh38, 1-based): chr10:71,356,109, C>T. VCF-style: chr10-71356109-C-T. GRCh37 (hg19) VCF-style: chr10-73115866-C-T.
Other names: c.639C>T, p.Ala213= (NM_001174098.2); c.405C>T, p.Ala135= (NM_001363518.2).
Identifiers: ClinVar variation 536253 (VCV000536253.33), dbSNP rs151009829, ClinGen allele CA5543009.

ClinVar aggregate classification (germline): Likely benign. Review status: criteria provided, multiple submitters, no conflicts (2 of 4 stars). 3 submissions from 3 submitters: Likely benign (3). Last evaluated 2026-04-09.

Conditions:
H syndrome. Also called: HISTIOCYTOSIS AND LYMPHADENOPATHY WITH OR WITHOUT CUTANEOUS, CARDIAC, AND/OR ENDOCRINE FEATURES, JOINT CONTRACTURES, AND/OR DEAFNESS; HYPERPIGMENTATION, CUTANEOUS, WITH HYPERTRICHOSIS, HEPATOSPLENOMEGALY, HEART ANOMALIES, AND HYPOGONADISM WITH OR WITHOUT HEARING LOSS; PIGMENTED HYPERTRICHOSIS WITH INSULIN-DEPENDENT DIABETES MELLITUS; ROSAI-DORFMAN DISEASE, FAMILIAL; SINUS HISTIOCYTOSIS AND MASSIVE LYMPHADENOPATHY; Hyperpigmentation, Cutaneous, with Hypertrichosis, Hepatosplenomegaly, Heart Anomalies, Hearing Loss, and Hypogonadism. Identifiers: Orphanet 168569, MedGen C1864445, MONDO:0011273, OMIM 602782.
SLC29A3-related disorder. Also called: SLC29A3-related condition.

Allele frequency attached by ClinVar (database versions not stated): gnomAD 0.00001; TOPMed 0.00001; ExAC 0.00002; gnomAD exomes 0.00002; ESP Exome Variant Server 0.00008; 1000 Genomes Project 0.00040; 1000 Genomes Project 30x 0.00047.

Submissions (3):

PreventionGenetics, part of Exact Sciences
Classification: Likely benign for SLC29A3-related condition. Last evaluated: 2026-04-09. Review status: criteria provided, single submitter. Criteria: ACMG Guidelines, 2015. Collection method: clinical testing. Allele origin: germline.
Comment: This variant is classified as likely benign based on ACMG/AMP sequence variant interpretation guidelines (Richards et al. 2015 PMID: 25741868, with internal and published modifications).

Labcorp Genetics (formerly Invitae), Labcorp
Classification: Likely benign for H syndrome. Last evaluated: 2025-03-27. Review status: criteria provided, single submitter. Criteria: Invitae Variant Classification Sherloc (09022015). Collection method: clinical testing. Allele origin: germline.

CeGaT Center for Human Genetics Tuebingen
Classification: Likely benign. Last evaluated: 2023-01-01. Review status: criteria provided, single submitter. Criteria: CeGaT Center For Human Genetics Tuebingen Variant Classification Criteria Version 2. Collection method: clinical testing. Allele origin: germline. Affected: yes. Observed: 1 variant allele.
Comment: SLC29A3: BP4, BP7